The following is an entry in ClinVar:

NM_024675.4(PALB2):c.1430C>T (p.Thr477Ile)

Gene: PALB2 (partner and localizer of BRCA2; minus strand). Cytogenetic location: 16p12.2.
Variant type: single nucleotide variant.
Coding change: c.1430C>T on transcript NM_024675.4 (MANE Select); coding-DNA position 1430, C replaced by T.
Protein change: p.Thr477Ile; replaces threonine 477 with isoleucine.
Molecular consequence: missense variant.
Genome position (GRCh38, 1-based): chr16:23,635,116, G>A on the plus strand (C>T on the coding strand, the complement: PALB2 is on the minus strand). VCF-style: chr16-23635116-G-A. GRCh37 (hg19) VCF-style: chr16-23646437-G-A.
Other names: short protein forms T477I.
Identifiers: ClinVar variation 819196 (VCV000819196.4), dbSNP rs1567221020, ClinGen allele CA395131287.
Genomic context (GRCh38, chr16:23,635,116, plus strand): 5'-TTATCTTCAGTGGGCCCAGCGGGAGAGCTGACTTTAGTTAATGAGAGAAGTTTCTGAGAG[G>A]TTCTTGAACTTGGTTGTCCTGTGCATGTGCCAGACATCCTAATTTCACTTTGGTCAGTTT-3'
Protein context (NP_078951.2, residues 467-487): GTCTGQPSSR[Thr477Ile]SQKLLSLTKV

ClinVar aggregate classification (germline): Uncertain significance (1 of 4 stars; one submission).

Conditions:
Hereditary cancer-predisposing syndrome. Also called: Tumor predisposition; Hereditary neoplastic syndrome; Neoplastic Syndromes, Hereditary; Hereditary Cancer Syndrome. Identifiers: Orphanet 140162, MedGen C0027672, MeSH D009386, MONDO:0015356.

gnomAD v4.1: 2 of 1,614,120 alleles (0.00012%); highest among the groups gnomAD compares: Non-Finnish European, 0.00017%; no homozygotes.

Submission:

Ambry Genetics
Classification: Uncertain significance for Hereditary cancer-predisposing syndrome. Last evaluated: 2022-03-24. Review status: criteria provided, single submitter. Criteria: Ambry Variant Classification Scheme 2023. Collection method: clinical testing. Allele origin: germline.
Comment: The p.T477I variant (also known as c.1430C>T), located in coding exon 4 of the PALB2 gene, results from a C to T substitution at nucleotide position 1430. The threonine at codon 477 is replaced by isoleucine, an amino acid with similar properties. This alteration has been reported in a cohort of 488 patients with stages I to III breast cancer who were tested with a 25-gene panel test (Tung N et al. J. Clin. Oncol., 2016 May;34:1460-8). This amino acid position is poorly conserved in available vertebrate species. In addition, this alteration is predicted to be tolerated by in silico analysis. Since supporting evidence is limited at this time, the clinical significance of this alteration remains unclear.

Literature cited by the submitters: PubMed 26976419.